The following is an entry in ClinVar:

ClinVar aggregate classification (germline): Uncertain significance (1 of 4 stars; one submission).

Submission:

Labcorp Genetics (formerly Invitae), Labcorp
Classification: Uncertain significance. Last evaluated: 2023-06-11. Review status: criteria provided, single submitter. Criteria: Invitae Variant Classification Sherloc (09022015). Collection method: clinical testing. Allele origin: germline.
Comment: In summary, the available evidence is currently insufficient to determine the role of this variant in disease. Therefore, it has been classified as a Variant of Uncertain Significance. Advanced modeling of protein sequence and biophysical properties (such as structural, functional, and spatial information, amino acid conservation, physicochemical variation, residue mobility, and thermodynamic stability) performed at Invitae indicates that this missense variant is expected to disrupt PDE4D protein function. This variant has not been reported in the literature in individuals affected with PDE4D-related conditions. This variant is not present in population databases (gnomAD no frequency). This sequence change replaces arginine, which is basic and polar, with leucine, which is neutral and non-polar, at codon 234 of the PDE4D protein (p.Arg234Leu).

NM_001104631.2(PDE4D):c.701G>T (p.Arg234Leu)

Gene: PDE4D (phosphodiesterase 4D; minus strand). Cytogenetic location: 5q11.2.
Variant type: single nucleotide variant.
Coding change: c.701G>T on transcript NM_001104631.2 (MANE Select); coding-DNA position 701, G replaced by T.
Protein change: p.Arg234Leu; replaces arginine 234 with leucine.
Molecular consequence: missense variant. On other transcripts: 5 prime UTR variant (1), intron variant (2).
Genome position (GRCh38, 1-based): chr5:59,185,246, C>A on the plus strand (G>T on the coding strand, the complement: PDE4D is on the minus strand). VCF-style: chr5-59185246-C-A. GRCh37 (hg19) VCF-style: chr5-58481072-C-A.
Other names: c.518G>T, p.Arg173Leu (NM_001165899.2, NM_001364599.1, NM_001364600.2); c.509G>T, p.Arg170Leu (NM_001197218.2, NM_001364602.2); c.335G>T, p.Arg112Leu (NM_001197219.2); c.311G>T, p.Arg104Leu (NM_001197220.2); c.488G>T, p.Arg163Leu (NM_001349241.2); c.371G>T, p.Arg124Leu (NM_001349242.2); c.-250G>T (NM_001364603.1); c.293G>T, p.Arg98Leu (NM_006203.5); and 1 more; short protein forms R112L, R234L, R163L, R104L, R170L, R173L, R124L, R98L.
Identifiers: ClinVar variation 2708909 (VCV002708909.3), dbSNP rs766490621, ClinGen allele CA359930421.